The following is an entry in ClinVar:

ClinVar aggregate classification (germline): Uncertain significance (1 of 4 stars; one submission).

Conditions:
Cardiovascular phenotype. Identifiers: MedGen CN230736.

gnomAD v4.1: 2 of 1,614,004 alleles (0.00012%); highest among the groups gnomAD compares: South Asian, 0.0011%; no homozygotes.

Submission:

Ambry Genetics
Classification: Uncertain significance for Cardiovascular phenotype. Last evaluated: 2024-07-24. Review status: criteria provided, single submitter. Criteria: Ambry Variant Classification Scheme 2023. Collection method: clinical testing. Allele origin: germline.
Comment: The p.A3023V variant (also known as c.9068C>T), located in coding exon 26 of the APOB gene, results from a C to T substitution at nucleotide position 9068. The alanine at codon 3023 is replaced by valine, an amino acid with similar properties. This amino acid position is conserved. In addition, the in silico prediction for this alteration is inconclusive. Based on the available evidence, the clinical significance of this variant remains unclear.

NM_000384.3(APOB):c.9068C>T (p.Ala3023Val)

Gene: APOB (apolipoprotein B; minus strand). Cytogenetic location: 2p24.1.
Variant type: single nucleotide variant.
Coding change: c.9068C>T on transcript NM_000384.3 (MANE Select); coding-DNA position 9068, C replaced by T.
Protein change: p.Ala3023Val; replaces alanine 3023 with valine.
Molecular consequence: missense variant.
Genome position (GRCh38, 1-based): chr2:21,007,800, G>A on the plus strand (C>T on the coding strand, the complement: APOB is on the minus strand). VCF-style: chr2-21007800-G-A. GRCh37 (hg19) VCF-style: chr2-21230672-G-A.
Other names: short protein forms A3023V.
Identifiers: ClinVar variation 3415617 (VCV003415617.1), dbSNP rs1663187429.